The following is an entry in ClinVar:

ClinVar aggregate classification (germline): Benign/Likely benign. Review status: criteria provided, multiple submitters, no conflicts (2 of 4 stars). 13 submissions from 13 submitters: Benign (4); Likely benign (5). 4 of the submissions do not count toward it. Last evaluated 2026-02-03.

Conditions:
Early-infantile DEE. Also called: Ohtahara syndrome; Early infantile epileptic encephalopathy with suppression bursts; Early infantile epileptic encephalopathy. Identifiers: Orphanet 1934, MedGen C0393706, MONDO:0800491.
HCN1-related disorder. Also called: HCN1-related condition; HCN1-related disorders.
Developmental and epileptic encephalopathy, 24 (DEE24). Also called: Epileptic encephalopathy, early infantile, 24. Identifiers: Orphanet 442835, MedGen C4014531, MONDO:0014377, OMIM 615871.
Inborn genetic diseases. Identifiers: MedGen C0950123, MeSH D030342.

Submissions (13):

Labcorp Genetics (formerly Invitae), Labcorp
Classification: Likely benign for Early-infantile DEE. Last evaluated: 2026-02-03. Review status: criteria provided, single submitter. Criteria: Invitae Variant Classification Sherloc (09022015). Collection method: clinical testing. Allele origin: germline.

CeGaT Center for Human Genetics Tuebingen
Classification: Likely benign. Last evaluated: 2026-01-01. Review status: criteria provided, single submitter. Criteria: CeGaT Center For Human Genetics Tuebingen Variant Classification Criteria Version 2. Collection method: clinical testing. Allele origin: germline. Affected: yes. Observed: 23 variant alleles.
Comment: HCN1: BS2

ARUP Laboratories, Molecular Genetics and Genomics, ARUP Laboratories
Classification: Benign. Last evaluated: 2025-02-19. Review status: criteria provided, single submitter. Criteria: ARUP Molecular Germline Variant Investigation Process 2024. Collection method: clinical testing. Allele origin: germline.

Athena Diagnostics
Classification: Benign. Last evaluated: 2024-11-27. Review status: criteria provided, single submitter. Criteria: Athena Diagnostics Criteria. Collection method: clinical testing. Allele origin: unknown.

GeneDx
Classification: Benign. Last evaluated: 2021-05-10. Review status: criteria provided, single submitter. Criteria: GeneDx Variant Classification Process June 2021. Collection method: clinical testing. Allele origin: germline. Affected: yes.
Comment: This variant is associated with the following publications: (PMID: 17931874)

Mendelics
Classification: Likely benign for Developmental and epileptic encephalopathy, 24. Last evaluated: 2019-05-28. Review status: criteria provided, single submitter. Criteria: Mendelics Assertion Criteria 2017. Collection method: clinical testing. Allele origin: unknown.

Ambry Genetics
Classification: Likely benign for Inborn genetic diseases. Last evaluated: 2018-07-25. Review status: criteria provided, single submitter. Criteria: Ambry Variant Classification Scheme 2023. Collection method: clinical testing. Allele origin: germline.

Center for Pediatric Genomic Medicine, Children's Mercy Hospital and Clinics
Classification: Likely benign. Last evaluated: 2017-08-02. Review status: criteria provided, single submitter. Criteria: ACMG Guidelines, 2015. Collection method: clinical testing. Allele origin: germline.

Eurofins Ntd Llc (ga)
Classification: Benign. Last evaluated: 2014-06-26. Review status: criteria provided, single submitter. Criteria: EGL Classification Definitions 2015. Collection method: clinical testing. Allele origin: germline. Observed: 2 variant alleles, 2 heterozygotes.

PreventionGenetics, part of Exact Sciences
Classification: Likely benign for HCN1-related condition. Last evaluated: 2019-03-18. Review status: no assertion criteria provided. Collection method: clinical testing. Allele origin: germline. Not counted in ClinVar's aggregate classification.
Comment: This variant is classified as likely benign based on ACMG/AMP sequence variant interpretation guidelines (Richards et al. 2015 PMID: 25741868, with internal and published modifications).

Clinical Genetics DNA and cytogenetics Diagnostics Lab, Erasmus MC, Erasmus Medical Center
Classification: Likely benign. Review status: no assertion criteria provided. Collection method: clinical testing. Allele origin: germline. Affected: yes. Study: VKGL Data-share Consensus. Not counted in ClinVar's aggregate classification.

Diagnostic Laboratory, Department of Genetics, University Medical Center Groningen
Classification: Likely benign. Review status: no assertion criteria provided. Collection method: clinical testing. Allele origin: germline. Affected: yes. Study: VKGL Data-share Consensus. Not counted in ClinVar's aggregate classification.

Genome Diagnostics Laboratory, University Medical Center Utrecht
Classification: Likely benign. Review status: no assertion criteria provided. Collection method: clinical testing. Allele origin: germline. Affected: yes. Study: VKGL Data-share Consensus. Not counted in ClinVar's aggregate classification.

Literature cited by the submitters: PubMed 20437590 (cited by Athena Diagnostics); PubMed 36855133 (cited by Athena Diagnostics); PubMed 17931874 (cited by Athena Diagnostics).

NM_021072.4(HCN1):c.203GCG[4] (p.Gly72_Gly74del)

Gene: HCN1 (hyperpolarization activated cyclic nucleotide gated potassium channel 1; minus strand). Cytogenetic location: 5p12.
Variant type: Microsatellite.
Coding change: c.203GCG[4] on transcript NM_021072.4 (MANE Select); four copies in a row of the 3-base unit GCG starting at c.203; the reference has seven copies in a row; three copies, 9 bases deleted; also written c.215_223del.
Protein change: p.Gly72_Gly74del.
Molecular consequence: inframe deletion.
Genome position (GRCh38, 1-based): chr5:45,695,871-45,695,879, CGCCGCCGC deleted on the plus strand (GCGGCGGCG on the coding strand, the reverse complement: HCN1 is on the minus strand); deleting any 9 consecutive bases within chr5:45,695,871-45,695,892 gives the same sequence; the position shown is the placement nearest the transcript's 3' end. VCF-style (leftmost placement, unchanged base first): chr5-45695870-TCGCCGCCGC-T. GRCh37 (hg19) VCF-style: chr5-45695972-TCGCCGCCGC-T.
Other names: c.215_223del (NM_021072.3); c.215_223del9 (NM_021072.3).
Identifiers: ClinVar variation 193441 (VCV000193441.55), dbSNP rs747975797, ClinGen allele CA214574.